The following is an entry in ClinVar:

NM_207034.3(EDN3):c.568_569del (p.Asp190fs)

Gene: EDN3 (endothelin 3; plus strand). Cytogenetic location: 20q13.32.
Variant type: Deletion.
Coding change: c.568_569del on transcript NM_207034.3 (MANE Select); coding-DNA positions 568 to 569, 2 bases deleted (GA; older notation c.568_569delGA).
Protein change: p.Asp190fs; shifts the reading frame from aspartic acid 190.
Molecular consequence: frameshift variant. On other transcripts: intron variant (2).
Genome position (GRCh38, 1-based): chr20:59,322,397-59,322,398, GA deleted; deleting any 2 consecutive bases within chr20:59,322,396-59,322,398 gives the same sequence; the c. name uses the placement nearest the transcript's 3' end. VCF-style (leftmost placement, unchanged base first): chr20-59322395-CAG-C. GRCh37 (hg19) VCF-style: chr20-57897450-CAG-C.
Other names: c.568_569del, p.Asp190fs (NM_001302455.2, NM_001424362.1, NM_001424363.1 and 1 more transcripts); c.582_583del, p.Gln194fs (NM_001424361.1); c.542+1204_542+1205del (NM_207033.3, NM_001302456.2); c.568_569delGA (NM_207034.3); short protein forms D190fs, Q194fs.
Identifiers: ClinVar variation 4083438 (VCV004083438.2).
Genomic context (GRCh38, chr20:59,322,395, plus strand): 5'-GCAGGTTGATTGATTAAAACCAGCTCTCTCCCCACAGTAATTCAAGGACGGCAGAAAAAA[CAG>C]ACAAAGAAGAGGAAGGGAAGGTGAGAGGTGCCAACAGAGGCCTGTGTCAAAGGAGGTGAA-3'

ClinVar aggregate classification (germline): Conflicting classifications of pathogenicity. Review status: criteria provided, conflicting classifications (1 of 4 stars). 3 submissions from 3 submitters: Likely pathogenic (1); Uncertain significance (1); Likely benign (1). Last evaluated 2025-08-26.

Conditions:
Waardenburg syndrome type 4B (WS4B). Also called: WAARDENBURG SYNDROME, TYPE 4B, WITH HIRSCHSPRUNG DISEASE. Identifiers: Orphanet 897, MedGen C2750457, MONDO:0013201, OMIM 613265.

Submissions (3):

First Genomix Gene Laboratory, Genetic Diagnostics Department
Classification: Likely pathogenic for Waardenburg syndrome type 4B. Last evaluated: 2025-08-26. Review status: criteria provided, single submitter. Criteria: ACMG Guidelines, 2015. Collection method: clinical testing. Allele origin: germline. Inheritance: Autosomal recessive inheritance. Affected: no. Observed: 1 variant allele.

GeneDx
Classification: Uncertain significance. Last evaluated: 2025-03-14. Review status: criteria provided, single submitter. Criteria: GeneDx Variant Classification Process June 2021. Collection method: clinical testing. Allele origin: germline. Affected: yes.
Comment: Frameshift variant predicted to result in abnormal protein length as the last 49 amino acids are replaced with 7 different amino acids; Has not been previously published as pathogenic or benign to our knowledge

Blueprint Genetics
Classification: Likely benign. Last evaluated: 2024-11-22. Review status: criteria provided, single submitter. Criteria: ACMG Guidelines, 2015. Collection method: clinical testing. Allele origin: germline.